The following is an entry in ClinVar:

NM_001386298.1(CIC):c.248G>A (p.Gly83Asp)

Gene: CIC (capicua transcriptional repressor; plus strand). Cytogenetic location: 19q13.2.
Variant type: single nucleotide variant.
Coding change: c.248G>A on transcript NM_001386298.1 (MANE Select); coding-DNA position 248, G replaced by A.
Protein change: p.Gly83Asp; replaces glycine 83 with aspartic acid.
Molecular consequence: missense variant.
Genome position (GRCh38, 1-based): chr19:42,272,031, G>A. VCF-style: chr19-42272031-G-A. GRCh37 (hg19) VCF-style: chr19-42776183-G-A.
Other names: c.248G>A, p.Gly83Asp (NM_001304815.2, NM_001379480.1, NM_001379482.1 and 6 more transcripts); short protein forms G83D.
Identifiers: ClinVar variation 4987598 (VCV004987598.1).

ClinVar aggregate classification (germline): Uncertain significance (1 of 4 stars; one submission).

Conditions:
CIC-related disorder. Also called: CIC-related condition.

gnomAD v4.1: 1 of 398,810 alleles (0.00025%); highest among the groups gnomAD compares: South Asian, 0.013%; no homozygotes.

Submission:

PreventionGenetics, part of Exact Sciences
Classification: Uncertain significance for CIC-related condition. Last evaluated: 2025-02-03. Review status: criteria provided, single submitter. Criteria: ACMG Guidelines, 2015. Collection method: clinical testing. Allele origin: germline.
Comment: The CIC c.248G>A variant is predicted to result in the amino acid substitution p.Gly83Asp. To our knowledge, this variant has not been reported in the literature or in a large population database (gnomAD), indicating this variant is rare. At this time, the clinical significance of this variant is uncertain due to the absence of conclusive functional and genetic evidence.